The following is an entry in ClinVar:

NM_182914.3(SYNE2):c.16240_16241dup (p.Met5416fs)

Gene: SYNE2 (spectrin repeat containing nuclear envelope protein 2; plus strand). Cytogenetic location: 14q23.2.
Variant type: Duplication.
Coding change: c.16240_16241dup on transcript NM_182914.3 (MANE Select); coding-DNA positions 16240 to 16241, 2 bases duplicated (AT; older notation c.16240_16241dupAT).
Protein change: p.Met5416fs; shifts the reading frame from methionine 5416.
Molecular consequence: frameshift variant.
Genome position (GRCh38, 1-based): chr14:64,162,217-64,162,218, AT duplicated. VCF-style (leftmost placement, unchanged base first): chr14-64162216-C-CAT. GRCh37 (hg19) VCF-style: chr14-64628934-C-CAT.
Other names: c.16240_16241dup, p.Met5416fs (NM_015180.6); c.16240_16241dupAT (NM_182914.3); short protein forms M5416fs.
Identifiers: ClinVar variation 3336238 (VCV003336238.1).
Genomic context (GRCh38, chr14:64,162,216, plus strand): 5'-TCATGGTGAAGCTGCCGCAAGGCTGAAGCAGCAGGAAGCAAAGTTTCAACAGCTCGCAAA[C>CAT]ATCAGCATGTCTGGAAACAACCTGGCAGAGATCCTGCCCCCAGCCCTGCAGGACATAAAG-3'

ClinVar aggregate classification (germline): Uncertain significance (1 of 4 stars; one submission).

Submission:

Women's Health and Genetics/Laboratory Corporation of America, LabCorp
Classification: Uncertain significance. Last evaluated: 2024-05-02. Review status: criteria provided, single submitter. Criteria: LabCorp Variant Classification Summary - May 2015. Collection method: clinical testing. Allele origin: germline.
Comment: Variant summary: SYNE2 c.16240_16241dupAT (p.Met5416AlafsX18) results in a premature termination codon, predicted to cause a truncation of the encoded protein or absence of the protein due to nonsense mediated decay, however the molecular mechanism of disease attributed to SYNE2 is currently unknown. The variant was absent in 251306 control chromosomes (gnomAD). The available data on variant occurrences in the general population are insufficient to allow any conclusion about variant significance. To our knowledge, no occurrence of c.16240_16241dupAT in individuals affected with Emery-Dreifuss Muscular Dystrophy 5, Autosomal Dominant and no experimental evidence demonstrating its impact on protein function have been reported. No submitters have cited clinical-significance assessments for this variant to ClinVar. Based on the evidence outlined above, the variant was classified as uncertain significance.